The following is an entry in ClinVar:

ClinVar aggregate classification (germline): Uncertain significance (1 of 4 stars; one submission).

Conditions:
Alzheimer disease 3 (AD3). Also called: ALZHEIMER DISEASE, FAMILIAL, 3. Identifiers: Orphanet 1020, MedGen C1843013, MONDO:0011913, OMIM 607822.
Frontotemporal dementia (FTD1). Also called: Dementia, frontotemporal, with or without parkinsonism; Frontotemporal Dementia with Parkinsonism-17 (FTDP-17); MULTIPLE SYSTEM TAUOPATHY WITH PRESENILE DEMENTIA; WILHELMSEN-LYNCH DISEASE; Frontotemporal lobe dementia (FLDEM); FRONTOTEMPORAL DEMENTIA WITH PARKINSONISM. Identifiers: Orphanet 282, MedGen C0338451, MONDO:0017276, OMIM 600274, HP:0002145.
Pick disease. Also called: PICK DISEASE OF BRAIN; Pick Disease of the Brain; LOBAR ATROPHY OF BRAIN; Pick's disease; DEMENTIA WITH LOBAR ATROPHY AND NEURONAL CYTOPLASMIC INCLUSIONS. Identifiers: Orphanet 282, MedGen C0236642, MONDO:0008243, OMIM 172700.
Acne inversa, familial, 3 (ACNINV3). Identifiers: MedGen C3151038, MONDO:0013398, OMIM 613737.

Allele frequency attached by ClinVar (database versions not stated): ExAC 0.00002; ESP Exome Variant Server 0.00008.
gnomAD v4.1: 29 of 1,613,978 alleles (0.0018%); highest among the groups gnomAD compares: African/African-American, 0.011%; no homozygotes.

Submission:

Labcorp Genetics (formerly Invitae), Labcorp
Classification: Uncertain significance for Alzheimer disease 3; Pick disease; Acne inversa, familial, 3; Frontotemporal dementia. Last evaluated: 2025-03-25. Review status: criteria provided, single submitter. Criteria: Invitae Variant Classification Sherloc (09022015). Collection method: clinical testing. Allele origin: germline.
Comment: This sequence change replaces glycine, which is neutral and non-polar, with arginine, which is basic and polar, at codon 335 of the PSEN1 protein (p.Gly335Arg). This variant is present in population databases (rs138871096, gnomAD 0.02%). This variant has not been reported in the literature in individuals affected with PSEN1-related conditions. ClinVar contains an entry for this variant (Variation ID: 1408622). Invitae Evidence Modeling of protein sequence and biophysical properties (such as structural, functional, and spatial information, amino acid conservation, physicochemical variation, residue mobility, and thermodynamic stability) has been performed for this missense variant. However, the output from this modeling did not meet the statistical confidence thresholds required to predict the impact of this variant on PSEN1 protein function. In summary, the available evidence is currently insufficient to determine the role of this variant in disease. Therefore, it has been classified as a Variant of Uncertain Significance.

NM_000021.4(PSEN1):c.1003G>A (p.Gly335Arg)

Gene: PSEN1 (presenilin 1; plus strand). Cytogenetic location: 14q24.2.
Variant type: single nucleotide variant.
Coding change: c.1003G>A on transcript NM_000021.4 (MANE Select); coding-DNA position 1003, G replaced by A.
Protein change: p.Gly335Arg; replaces glycine 335 with arginine.
Molecular consequence: missense variant.
Genome position (GRCh38, 1-based): chr14:73,211,816, G>A. VCF-style: chr14-73211816-G-A. GRCh37 (hg19) VCF-style: chr14-73678524-G-A.
Other names: c.991G>A, p.Gly331Arg (NM_007318.3); short protein forms G331R, G335R.
Identifiers: ClinVar variation 1408622 (VCV001408622.8), dbSNP rs138871096, ClinGen allele CA7256900.